The following is an entry in ClinVar:

NM_005857.5(ZMPSTE24):c.628-2A>T

Gene: ZMPSTE24 (zinc metallopeptidase STE24; plus strand). Cytogenetic location: 1p34.2.
Variant type: single nucleotide variant.
Coding change: c.628-2A>T on transcript NM_005857.5 (MANE Select); the canonical splice acceptor site of the intron before coding-DNA position 628, A replaced by T.
Molecular consequence: splice acceptor variant.
Genome position (GRCh38, 1-based): chr1:40,271,892, A>T. VCF-style: chr1-40271892-A-T. GRCh37 (hg19) VCF-style: chr1-40737564-A-T.
Identifiers: ClinVar variation 3677629 (VCV003677629.2).
Genomic context (GRCh38, chr1:40,271,892, plus strand): 5'-TAATAAAGAATGTTTTTTCTTTAAGAACATGTTCATATGTTATTCTGACATTTACTTTTC[A>T]GGTTCTTGTCACAATCTATGCTGATTATATTGCCCCTTTATTTGACAAATTCACACCTCT-3'

ClinVar aggregate classification (germline): Pathogenic (1 of 4 stars; one submission).

Submission:

Labcorp Genetics (formerly Invitae), Labcorp
Classification: Pathogenic. Last evaluated: 2026-01-30. Review status: criteria provided, single submitter. Criteria: Invitae Variant Classification Sherloc (09022015). Collection method: clinical testing. Allele origin: germline.
Comment: This sequence change affects an acceptor splice site in intron 5 of the ZMPSTE24 gene. It is expected to disrupt RNA splicing. Variants that disrupt the donor or acceptor splice site typically lead to a loss of protein function (PMID: 16199547), and loss-of-function variants in ZMPSTE24 are known to be pathogenic (PMID: 22718200, 24169522). This variant is not present in population databases (gnomAD no frequency). Disruption of this splice site has been observed in individual(s) with restrictive dermopathy (PMID: 24169522). In at least one individual the data is consistent with being in trans (on the opposite chromosome) from a pathogenic variant. ClinVar contains an entry for this variant (Variation ID: 3677629). Algorithms developed to predict the effect of sequence changes on RNA splicing suggest that this variant may disrupt the consensus splice site. For these reasons, this variant has been classified as Pathogenic.

Literature cited by the submitters: PubMed 16199547; PubMed 22718200; PubMed 24169522.